The following is an entry in ClinVar:

ClinVar aggregate classification (germline): Uncertain significance. Review status: criteria provided, multiple submitters, no conflicts (2 of 4 stars). 2 submissions from 2 submitters: Uncertain significance (2). Last evaluated 2024-10-15.

Conditions:
Inborn genetic diseases. Identifiers: MedGen C0950123, MeSH D030342.

Allele frequency attached by ClinVar (database versions not stated): ExAC 0.00001; gnomAD 0.00001; TOPMed 0.00001.
gnomAD v4.1: 9 of 1,613,876 alleles (0.00056%); highest among the groups gnomAD compares: South Asian, 0.0022%; no homozygotes.

Submissions (2):

Labcorp Genetics (formerly Invitae), Labcorp
Classification: Uncertain significance. Last evaluated: 2024-10-15. Review status: criteria provided, single submitter. Criteria: Invitae Variant Classification Sherloc (09022015). Collection method: clinical testing. Allele origin: germline.
Comment: This sequence change replaces serine, which is neutral and polar, with phenylalanine, which is neutral and non-polar, at codon 1070 of the WDR62 protein (p.Ser1070Phe). This variant is present in population databases (rs773422974, gnomAD 0.003%). This variant has not been reported in the literature in individuals affected with WDR62-related conditions. ClinVar contains an entry for this variant (Variation ID: 1465591). Invitae Evidence Modeling of protein sequence and biophysical properties (such as structural, functional, and spatial information, amino acid conservation, physicochemical variation, residue mobility, and thermodynamic stability) indicates that this missense variant is not expected to disrupt WDR62 protein function with a negative predictive value of 80%. In summary, the available evidence is currently insufficient to determine the role of this variant in disease. Therefore, it has been classified as a Variant of Uncertain Significance.

Ambry Genetics
Classification: Uncertain significance for Inborn genetic diseases. Last evaluated: 2023-03-24. Review status: criteria provided, single submitter. Criteria: Ambry Variant Classification Scheme 2023. Collection method: clinical testing. Allele origin: germline.

NM_001083961.2(WDR62):c.3209C>T (p.Ser1070Phe)

Gene: WDR62 (WD repeat domain 62; plus strand). Cytogenetic location: 19q13.12.
Variant type: single nucleotide variant.
Coding change: c.3209C>T on transcript NM_001083961.2 (MANE Select); coding-DNA position 3209, C replaced by T.
Protein change: p.Ser1070Phe; replaces serine 1070 with phenylalanine.
Molecular consequence: missense variant.
Genome position (GRCh38, 1-based): chr19:36,102,140, C>T. VCF-style: chr19-36102140-C-T. GRCh37 (hg19) VCF-style: chr19-36593042-C-T.
Other names: c.3209C>T, p.Ser1070Phe (NM_173636.5); c.3209C>T (NM_001083961.1); short protein forms S1070F.
Identifiers: ClinVar variation 1465591 (VCV001465591.9), dbSNP rs773422974, ClinGen allele CA9396181.